The following is an entry in ClinVar:

NM_003482.4(KMT2D):c.2828T>A (p.Ile943Asn)

Gene: KMT2D (lysine methyltransferase 2D; minus strand). Cytogenetic location: 12q13.12.
Variant type: single nucleotide variant.
Coding change: c.2828T>A on transcript NM_003482.4 (MANE Select); coding-DNA position 2828, T replaced by A.
Protein change: p.Ile943Asn; replaces isoleucine 943 with asparagine.
Molecular consequence: missense variant.
Genome position (GRCh38, 1-based): chr12:49,050,760, A>T on the plus strand (T>A on the coding strand, the complement: KMT2D is on the minus strand). VCF-style: chr12-49050760-A-T. GRCh37 (hg19) VCF-style: chr12-49444543-A-T.
Other names: short protein forms I943N.
Identifiers: ClinVar variation 3635166 (VCV003635166.2).

ClinVar aggregate classification (germline): Uncertain significance (1 of 4 stars; one submission).

Conditions:
Kabuki syndrome. Also called: NIIKAWA-KUROKI SYNDROME; Kabuki make-up syndrome. Identifiers: Orphanet 2322, MedGen C0796004, MONDO:0016512.

gnomAD v4.1: 1 of 1,611,496 alleles (0.000062%); no homozygotes.

Submission:

Labcorp Genetics (formerly Invitae), Labcorp
Classification: Uncertain significance for Kabuki syndrome. Last evaluated: 2024-03-12. Review status: criteria provided, single submitter. Criteria: Invitae Variant Classification Sherloc (09022015). Collection method: clinical testing. Allele origin: germline.
Comment: This sequence change replaces isoleucine, which is neutral and non-polar, with asparagine, which is neutral and polar, at codon 943 of the KMT2D protein (p.Ile943Asn). This variant is not present in population databases (gnomAD no frequency). This variant has not been reported in the literature in individuals affected with KMT2D-related conditions. Advanced modeling of protein sequence and biophysical properties (such as structural, functional, and spatial information, amino acid conservation, physicochemical variation, residue mobility, and thermodynamic stability) performed at Invitae indicates that this missense variant is not expected to disrupt KMT2D protein function with a negative predictive value of 95%. In summary, the available evidence is currently insufficient to determine the role of this variant in disease. Therefore, it has been classified as a Variant of Uncertain Significance.